The following is an entry in ClinVar:

ClinVar aggregate classification (germline): Uncertain significance (1 of 4 stars; one submission).

Conditions:
PRIMPOL-related disorder. Also called: PRIMPOL-related condition.

Submission:

PreventionGenetics, part of Exact Sciences
Classification: Uncertain significance for PRIMPOL-related condition. Last evaluated: 2023-05-12. Review status: criteria provided, single submitter. Criteria: ACMG Guidelines, 2015. Collection method: clinical testing. Allele origin: germline.
Comment: The PRIMPOL c.4A>G variant is predicted to result in the amino acid substitution p.Asn2Asp. To our knowledge, this variant has not been reported in the literature or in a large population database, indicating this variant is rare. At this time, the clinical significance of this variant is uncertain due to the absence of conclusive functional and genetic evidence.

NM_152683.4(PRIMPOL):c.4A>G (p.Asn2Asp)

Gene: PRIMPOL (primase and DNA directed polymerase; plus strand). Cytogenetic location: 4q35.1.
Variant type: single nucleotide variant.
Coding change: c.4A>G on transcript NM_152683.4 (MANE Select); coding-DNA position 4, A replaced by G.
Protein change: p.Asn2Asp; replaces asparagine 2 with aspartic acid.
Molecular consequence: missense variant. On other transcripts: 5 prime UTR variant (4), non-coding transcript variant (3), intron variant (2).
Genome position (GRCh38, 1-based): chr4:184,657,144, A>G. VCF-style: chr4-184657144-A-G. GRCh37 (hg19) VCF-style: chr4-185578298-A-G.
Other names: c.4A>G, p.Asn2Asp (NM_001300768.2, NM_001345891.2, NM_001345892.2 and 4 more transcripts); c.-563A>G (NM_001345894.2, NM_001345897.2, NM_001345898.2); c.-244A>G (NM_001345900.2); c.-207-2196A>G (NM_001300767.2); c.-386-2196A>G (NM_001345901.2); short protein forms N2D.
Identifiers: ClinVar variation 2633068 (VCV002633068.1), dbSNP rs2477803618, ClinGen allele CA358879928.